The following is an entry in ClinVar:

ClinVar aggregate classification (germline): Uncertain significance (1 of 4 stars; one submission).

Conditions:
Familial thoracic aortic aneurysm and aortic dissection (TAAD). Also called: Thoracic aortic aneurysms and dissections. Identifiers: Orphanet 91387, MedGen C4707243, MONDO:0019625.

Submission:

Ambry Genetics
Classification: Uncertain significance for Familial thoracic aortic aneurysm and aortic dissection. Last evaluated: 2024-06-06. Review status: criteria provided, single submitter. Criteria: Ambry Variant Classification Scheme 2023. Collection method: clinical testing. Allele origin: germline.
Comment: The p.A298T variant (also known as c.892G>A), located in coding exon 2 of the SLC2A10 gene, results from a G to A substitution at nucleotide position 892. The alanine at codon 298 is replaced by threonine, an amino acid with similar properties. This amino acid position is conserved. In addition, this alteration is predicted to be tolerated by in silico analysis. Based on the available evidence, the clinical significance of this variant remains unclear.

NM_030777.4(SLC2A10):c.892G>A (p.Ala298Thr)

Gene: SLC2A10 (solute carrier family 2 member 10; plus strand). Cytogenetic location: 20q13.12.
Variant type: single nucleotide variant.
Coding change: c.892G>A on transcript NM_030777.4 (MANE Select); coding-DNA position 892, G replaced by A.
Protein change: p.Ala298Thr; replaces alanine 298 with threonine.
Molecular consequence: missense variant.
Genome position (GRCh38, 1-based): chr20:46,725,928, G>A. VCF-style: chr20-46725928-G-A. GRCh37 (hg19) VCF-style: chr20-45354567-G-A.
Other names: short protein forms A298T.
Identifiers: ClinVar variation 3319433 (VCV003319433.1).